The following is an entry in ClinVar:

NM_001858.6(COL19A1):c.3183G>A (p.Lys1061=)

Gene: COL19A1 (collagen type XIX alpha 1 chain; plus strand). Cytogenetic location: 6q13.
Variant type: single nucleotide variant.
Coding change: c.3183G>A on transcript NM_001858.6 (MANE Select); coding-DNA position 3183, G replaced by A.
Protein change: p.Lys1061=; no amino-acid change (lysine 1061 retained).
Molecular consequence: synonymous variant.
Genome position (GRCh38, 1-based): chr6:70,199,696, G>A. VCF-style: chr6-70199696-G-A. GRCh37 (hg19) VCF-style: chr6-70909400-G-A.
Identifiers: ClinVar variation 4085554 (VCV004085554.8).

ClinVar aggregate classification (germline): Likely benign (1 of 4 stars; one submission).

gnomAD v4.1: 6 of 1,610,922 alleles (0.00037%); highest among the groups gnomAD compares: Non-Finnish European, 0.00051%; no homozygotes.

Submission:

CeGaT Center for Human Genetics Tuebingen
Classification: Likely benign. Last evaluated: 2025-07-01. Review status: criteria provided, single submitter. Criteria: CeGaT Center For Human Genetics Tuebingen Variant Classification Criteria Version 2. Collection method: clinical testing. Allele origin: germline. Affected: yes. Observed: 1 variant allele.
Comment: COL19A1: BP4, BP7